The following is an entry in ClinVar:

NM_004960.4(FUS):c.1169G>T (p.Gly390Val)

Gene: FUS (FUS RNA binding protein; plus strand). Cytogenetic location: 16p11.2.
Variant type: single nucleotide variant.
Coding change: c.1169G>T on transcript NM_004960.4 (MANE Select); coding-DNA position 1169, G replaced by T.
Protein change: p.Gly390Val; replaces glycine 390 with valine.
Molecular consequence: missense variant. On other transcripts: non-coding transcript variant (1).
Genome position (GRCh38, 1-based): chr16:31,190,275, G>T. VCF-style: chr16-31190275-G-T. GRCh37 (hg19) VCF-style: chr16-31201596-G-T.
Other names: c.1166G>T, p.Gly389Val (NM_001170634.1); c.1157G>T, p.Gly386Val (NM_001170937.1); short protein forms G386V, G389V, G390V.
Identifiers: ClinVar variation 2585043 (VCV002585043.1), dbSNP rs2144135361, ClinGen allele CA395674661.

ClinVar aggregate classification (germline): Uncertain significance (1 of 4 stars; one submission).

Conditions:
Tremor, hereditary essential, 4 (ETM4). Identifiers: MedGen C3539195, MONDO:0013888, OMIM 614782.

Allele frequency attached by ClinVar (database versions not stated): gnomAD exomes below 0.00001.
gnomAD v4.1: 1 of 1,614,140 alleles (0.000062%); highest among the groups gnomAD compares: South Asian, 0.0011%; no homozygotes.

Submission:

Neuberg Centre For Genomic Medicine, NCGM
Classification: Uncertain significance for Tremor, hereditary essential, 4. Review status: criteria provided, single submitter. Criteria: ACMG Guidelines, 2015. Collection method: clinical testing. Allele origin: germline. Inheritance: Autosomal dominant inheritance. Affected: yes.
Comment: The missense variant c.1169G>T (p.Gly390Val) in FUS gene has not been reported previously as a pathogenic variant nor as a benign variant, to our knowledge. The p.Gly390Val variant is novel (not in any individuals) in gnomAD exomes and 1000 Genomes. This variant has not been reported to the ClinVar database. The amino acid Gly at position 390 is changed to a Val changing protein sequence and it might alter its composition and physico-chemical properties. The amino acid change p.Gly390Val in FUS is predicted as conserved by GERP++ and PhyloP across 100 vertebrates. For these reasons, this variant has been classified as Uncertain Significance (VUS)